The following is an entry in ClinVar:

ClinVar aggregate classification (germline): Uncertain significance. Review status: criteria provided, multiple submitters, no conflicts (2 of 4 stars). 2 submissions from 2 submitters: Uncertain significance (2). Last evaluated 2024-04-16.

Conditions:
Telangiectasia, hereditary hemorrhagic, type 1 (HHT1). Also called: Osler Weber Rendu syndrome type 1; ENG-Related Hereditary Hemorrhagic Telangiectasia. Identifiers: Orphanet 774, MedGen C4551861, MONDO:0008535, OMIM 187300. Disease mechanism: loss of function.
Hereditary hemorrhagic telangiectasia (HHT). Also called: ORW DISEASE; Osler Weber Rendu syndrome; OSLER-RENDU-WEBER DISEASE; Osler hemorrhagic telangiectasia syndrome. Identifiers: Orphanet 774, MedGen C0039445, MONDO:0019180. Disease mechanism: loss of function.

Submissions (2):

Labcorp Genetics (formerly Invitae), Labcorp
Classification: Uncertain significance for Hereditary hemorrhagic telangiectasia. Last evaluated: 2024-04-16. Review status: criteria provided, single submitter. Criteria: Invitae Variant Classification Sherloc (09022015). Collection method: clinical testing. Allele origin: germline.
Comment: This sequence change falls in intron 11 of the ENG gene. It does not directly change the encoded amino acid sequence of the ENG protein. This variant is not present in population databases (gnomAD no frequency). This variant has been observed in individual(s) with hereditary hemorrhagic telangiectasia (Invitae). Algorithms developed to predict the effect of sequence changes on RNA splicing suggest that this variant may disrupt the consensus splice site. In summary, the available evidence is currently insufficient to determine the role of this variant in disease. Therefore, it has been classified as a Variant of Uncertain Significance.

ARUP Laboratories, Molecular Genetics and Genomics, ARUP Laboratories
Classification: Uncertain significance for Telangiectasia, hereditary hemorrhagic, type 1. Last evaluated: 2023-10-30. Review status: criteria provided, single submitter. Criteria: ARUP Molecular Germline Variant Investigation Process 2024. Collection method: clinical testing. Allele origin: germline.
Comment: The ENG c.1429-13C>G variant, to our knowledge, is not reported in the medical literature or gene specific databases. This variant is also absent from the Genome Aggregation Database, indicating it is not a common polymorphism. This is an intronic variant in a weakly conserved nucleotide, but computational analyses (Alamut Visual Plus v.1.5.1) predict that this variant may impact splicing by weakening the nearby canonical acceptor splice site. Due to limited information, the clinical significance of this variant is uncertain at this time.

NM_001114753.3(ENG):c.1429-13C>G

Genes: ENG (endoglin; minus strand), LOC102723566 (uncharacterized LOC102723566; plus strand). Cytogenetic location: 9q34.11.
Variant type: single nucleotide variant.
Coding change: c.1429-13C>G on transcript NM_001114753.3 (MANE Select); 13 bases into the intron before coding-DNA position 1429, C replaced by G.
Molecular consequence: intron variant.
Genome position (GRCh38, 1-based): chr9:127,818,390, G>C on the plus strand (C>G on the coding strand, the complement: ENG is on the minus strand). VCF-style: chr9-127818390-G-C. GRCh37 (hg19) VCF-style: chr9-130580669-G-C.
Other names: c.1429-13C>G (NM_000118.4); c.883-13C>G (NM_001278138.2).
Identifiers: ClinVar variation 2921244 (VCV002921244.3), dbSNP rs2539060017, ClinGen allele CA2739265068.